The following is an entry in ClinVar:

NM_001267727.2(ARSG):c.163T>C (p.Trp55Arg)

Gene: ARSG (arylsulfatase G; plus strand). Cytogenetic location: 17q24.2.
Variant type: single nucleotide variant.
Coding change: c.163T>C on transcript NM_001267727.2 (MANE Select); coding-DNA position 163, T replaced by C.
Protein change: p.Trp55Arg; replaces tryptophan 55 with arginine.
Molecular consequence: missense variant.
Genome position (GRCh38, 1-based): chr17:68,307,656, T>C. VCF-style: chr17-68307656-T-C. GRCh37 (hg19) VCF-style: chr17-66303797-T-C.
Other names: c.163T>C, p.Trp55Arg (NM_001352899.2, NM_001352900.2, NM_001352901.2 and 9 more transcripts); short protein forms W55R.
Identifiers: ClinVar variation 1956209 (VCV001956209.4), dbSNP rs1314468746, ClinGen allele CA400746304.

ClinVar aggregate classification (germline): Uncertain significance (1 of 4 stars; one submission).

Allele frequency attached by ClinVar (database versions not stated): gnomAD 0.00001; TOPMed 0.00001.
gnomAD v4.1: 1 of 1,612,358 alleles (0.000062%); highest among the groups gnomAD compares: Non-Finnish European, 0.000085%; no homozygotes.

Submission:

Labcorp Genetics (formerly Invitae), Labcorp
Classification: Uncertain significance. Last evaluated: 2022-10-17. Review status: criteria provided, single submitter. Criteria: Invitae Variant Classification Sherloc (09022015). Collection method: clinical testing. Allele origin: germline.
Comment: In summary, the available evidence is currently insufficient to determine the role of this variant in disease. Therefore, it has been classified as a Variant of Uncertain Significance. Advanced modeling of protein sequence and biophysical properties (such as structural, functional, and spatial information, amino acid conservation, physicochemical variation, residue mobility, and thermodynamic stability) performed at Invitae indicates that this missense variant is not expected to disrupt ARSG protein function. This variant has not been reported in the literature in individuals affected with ARSG-related conditions. This variant is not present in population databases (gnomAD no frequency). This sequence change replaces tryptophan, which is neutral and slightly polar, with arginine, which is basic and polar, at codon 55 of the ARSG protein (p.Trp55Arg).